The following is an entry in ClinVar:

ClinVar aggregate classification (germline): Uncertain significance (1 of 4 stars; one submission).

Submission:

Labcorp Genetics (formerly Invitae), Labcorp
Classification: Uncertain significance. Last evaluated: 2024-02-24. Review status: criteria provided, single submitter. Criteria: Invitae Variant Classification Sherloc (09022015). Collection method: clinical testing. Allele origin: germline.
Comment: This variant, c.728_730del, results in the deletion of 1 amino acid(s) of the CFB protein (p.Glu243del), but otherwise preserves the integrity of the reading frame. This variant is not present in population databases (gnomAD no frequency). This variant has not been reported in the literature in individuals affected with CFB-related conditions. ClinVar contains an entry for this variant (Variation ID: 1373749). Experimental studies and prediction algorithms are not available or were not evaluated, and the functional significance of this variant is currently unknown. In summary, the available evidence is currently insufficient to determine the role of this variant in disease. Therefore, it has been classified as a Variant of Uncertain Significance.

NM_001710.6(CFB):c.728_730del (p.Glu243del)

Gene: CFB (complement factor B; plus strand). Cytogenetic location: 6p21.33.
Variant type: Deletion.
Coding change: c.728_730del on transcript NM_001710.6 (MANE Select); coding-DNA positions 728 to 730, 3 bases deleted (AAG; older notation c.728_730delAAG).
Protein change: p.Glu243del; deletes glutamic acid 243.
Molecular consequence: inframe deletion.
Genome position (GRCh38, 1-based): chr6:31,947,811-31,947,813, AAG deleted; deleting any 3 consecutive bases within chr6:31,947,809-31,947,813 gives the same sequence; the c. name uses the placement nearest the transcript's 3' end. VCF-style (leftmost placement, unchanged base first): chr6-31947808-TAGA-T. GRCh37 (hg19) VCF-style: chr6-31915585-TAGA-T.
Other names: short protein forms E243del.
Identifiers: ClinVar variation 1373749 (VCV001373749.6), dbSNP rs2151783116, ClinGen allele CA2573140251.